The following is an entry in ClinVar:

NM_020975.6(RET):c.1759+10G>T

Gene: RET (ret proto-oncogene; plus strand). Cytogenetic location: 10q11.21.
Variant type: single nucleotide variant.
Coding change: c.1759+10G>T on transcript NM_020975.6 (MANE Select); 10 bases into the intron after coding-DNA position 1759, G replaced by T.
Molecular consequence: intron variant.
Genome position (GRCh38, 1-based): chr10:43,112,973, G>T. VCF-style: chr10-43112973-G-T. GRCh37 (hg19) VCF-style: chr10-43608421-G-T.
Other names: c.1759+10G>T (NM_020630.7, NM_001406743.1, NM_001406744.1 and 4 more transcripts); c.1363+10G>T (NM_001406772.1, NM_001406769.1); c.1321+10G>T (NM_001406773.1, NM_001406771.1); c.862+10G>T (NM_001406782.1, NM_001406780.1, NM_001406779.1 and 3 more transcripts); c.1630+10G>T (NM_001406764.1, NM_001406762.1, NM_001406761.1 and 1 more transcripts); c.1234+10G>T (NM_001406774.1); c.733+10G>T (NM_001406786.1, NM_001406783.1); c.1471+10G>T (NM_001406770.1, NM_001406766.1, NM_001406767.1); and 5 more.
Identifiers: ClinVar variation 543724 (VCV000543724.13), dbSNP rs770586179, ClinGen allele CA035311.
Genomic context (GRCh38, chr10:43,112,973, plus strand): 5'-GCGATGTTGTGGAGACCCAAGACATCAACATTTGCCCTCAGGACTGCCTCCGTAAGCAGG[G>T]TTTAATCAGGGCATGGGAACAGGTAGGAGATAGTAGGGGAAACCTGGATCCCACAGGCAC-3'

ClinVar aggregate classification (germline): Conflicting classifications of pathogenicity. Review status: criteria provided, conflicting classifications (1 of 4 stars). 3 submissions from 3 submitters: Uncertain significance (2); Likely benign (1). Last evaluated 2025-12-29.

Conditions:
Multiple endocrine neoplasia, type 2 (MEN2). Identifiers: Orphanet 653, MedGen C4048306, MONDO:0019003. Disease mechanism: gain of function.

Allele frequency attached by ClinVar (database versions not stated): ExAC 0.00002; gnomAD exomes 0.00002; TOPMed 0.00004.
gnomAD v4.1: 12 of 1,607,242 alleles (0.00075%); highest among the groups gnomAD compares: East Asian, 0.022%; no homozygotes.

Submissions (3):

Center for Genomic Medicine, Rigshospitalet, Copenhagen University Hospital
Classification: Uncertain significance. Last evaluated: 2025-12-29. Review status: criteria provided, single submitter. Criteria: ACMG Guidelines, 2015. Collection method: clinical testing. Allele origin: germline.

Labcorp Genetics (formerly Invitae), Labcorp
Classification: Uncertain significance for Multiple endocrine neoplasia, type 2. Last evaluated: 2025-12-29. Review status: criteria provided, single submitter. Criteria: Invitae Variant Classification Sherloc (09022015). Collection method: clinical testing. Allele origin: germline.
Comment: This sequence change falls in intron 9 of the RET gene. It does not directly change the encoded amino acid sequence of the RET protein. This variant is present in population databases (rs770586179, gnomAD 0.03%). This variant has not been reported in the literature in individuals affected with RET-related conditions. ClinVar contains an entry for this variant (Variation ID: 543724). Algorithms developed to predict the effect of sequence changes on RNA splicing suggest that this variant may create or strengthen a splice site. In summary, the available evidence is currently insufficient to determine the role of this variant in disease. Therefore, it has been classified as a Variant of Uncertain Significance.

Blueprint Genetics
Classification: Likely benign. Last evaluated: 2023-02-24. Review status: criteria provided, single submitter. Criteria: ACMG Guidelines, 2015. Collection method: clinical testing. Allele origin: germline.